The following is an entry in ClinVar:

NM_144672.4(OTOA):c.2133C>T (p.His711=)

Gene: OTOA (otoancorin). Cytogenetic location: 16p12.2.
Variant type: single nucleotide variant.
Coding change: c.2133C>T on transcript NM_144672.4 (MANE Select); coding-DNA position 2133, C replaced by T.
Protein change: p.His711=; no amino-acid change (histidine 711 retained).
Molecular consequence: synonymous variant.
Genome position (GRCh38, 1-based): chr16:21,728,357, C>T. VCF-style: chr16-21728357-C-T. GRCh37 (hg19) VCF-style: chr16-21739678-C-T.
Other names: c.1896C>T, p.His632= (NM_001161683.2); c.1161C>T, p.His387= (NM_170664.3).
Identifiers: ClinVar variation 505224 (VCV000505224.9), dbSNP rs201907941, ClinGen allele CA7952900.
Genomic context (GRCh38, chr16:21,728,357, plus strand): 5'-CTTGCCGGCAGCCATCATCGACAGGGGGATCTCCCCCAGGGCTTGGGCGACTGCTCTACA[C>T]GGCCTCAGAGACTGCCCAGACCTCAACCCTGAGCAAAAGGCTGCAGTGAGGCTCAAGCTC-3'
Protein context (NP_653273.3, residues 701-721): ISPRAWATAL[His711=]GLRDCPDLNP

ClinVar aggregate classification (germline): Likely benign. Review status: criteria provided, multiple submitters, no conflicts (2 of 4 stars). 3 submissions from 3 submitters: Likely benign (3). Last evaluated 2024-08-28.

Allele frequency attached by ClinVar (database versions not stated): gnomAD 0.00004 and 0.00006; TOPMed 0.00005; 1000 Genomes Project 0.00040; 1000 Genomes Project 30x 0.00047.
gnomAD v4.1: 45 of 1,614,152 alleles (0.0028%); highest among the groups gnomAD compares: East Asian, 0.018%; no homozygotes.

Submissions (3):

Blueprint Genetics
Classification: Likely benign. Last evaluated: 2024-08-28. Review status: criteria provided, single submitter. Criteria: ACMG Guidelines, 2015. Collection method: clinical testing. Allele origin: germline.

Labcorp Genetics (formerly Invitae), Labcorp
Classification: Likely benign. Last evaluated: 2024-02-17. Review status: criteria provided, single submitter. Criteria: Invitae Variant Classification Sherloc (09022015). Collection method: clinical testing. Allele origin: germline.

Laboratory for Molecular Medicine, Mass General Brigham Personalized Medicine
Classification: Likely benign. Last evaluated: 2016-07-14. Review status: criteria provided, single submitter. Criteria: LMM Criteria. Collection method: clinical testing. Allele origin: germline. Observed: 1 variant allele.
Comment: p.His711His in exon 19 of OTOA: This variant is not expected to have clinical si gnificance because it does not alter an amino acid residue and it is not located within the splice consensus sequence. It has been identified in 0.1% (9/8650) of East Asian chromosomes by the Exome Aggregation Consortium (ExAC .; dbSNP rs201907941).